The following is an entry in ClinVar:

ClinVar aggregate classification (germline): Uncertain significance (1 of 4 stars; one submission).

Allele frequency attached by ClinVar (database versions not stated): ExAC 0.00001; gnomAD exomes 0.00001; gnomAD 0.00002; TOPMed 0.00002.
gnomAD v4.1: 19 of 1,612,126 alleles (0.0012%); highest among the groups gnomAD compares: African/African-American, 0.0027%; no homozygotes.

Submission:

Labcorp Genetics (formerly Invitae), Labcorp
Classification: Uncertain significance. Last evaluated: 2022-09-01. Review status: criteria provided, single submitter. Criteria: Invitae Variant Classification Sherloc (09022015). Collection method: clinical testing. Allele origin: germline.
Comment: Experimental studies and prediction algorithms are not available or were not evaluated, and the functional significance of this variant is currently unknown. In summary, the available evidence is currently insufficient to determine the role of this variant in disease. Therefore, it has been classified as a Variant of Uncertain Significance. This variant has not been reported in the literature in individuals affected with COL18A1-related conditions. This variant is present in population databases (rs760585290, gnomAD 0.006%). This sequence change replaces proline, which is neutral and non-polar, with leucine, which is neutral and non-polar, at codon 709 of the COL18A1 protein (p.Pro709Leu).

NM_001379500.1(COL18A1):c.2126C>T (p.Pro709Leu)

Gene: COL18A1 (collagen type XVIII alpha 1 chain; plus strand). Cytogenetic location: 21q22.3.
Variant type: single nucleotide variant.
Coding change: c.2126C>T on transcript NM_001379500.1 (MANE Select); coding-DNA position 2126, C replaced by T.
Protein change: p.Pro709Leu; replaces proline 709 with leucine.
Molecular consequence: missense variant.
Genome position (GRCh38, 1-based): chr21:45,491,283, C>T. VCF-style: chr21-45491283-C-T. GRCh37 (hg19) VCF-style: chr21-46911197-C-T.
Other names: c.2666C>T, p.Pro889Leu (NM_030582.4); c.3371C>T, p.Pro1124Leu (NM_130444.3); short protein forms P709L, P889L, P1124L.
Identifiers: ClinVar variation 1901192 (VCV001901192.3), dbSNP rs760585290, ClinGen allele CA10066820.